The following is an entry in ClinVar:

NM_032237.5(POMK):c.502A>C (p.Lys168Gln)

Gene: POMK (protein O-mannose kinase; plus strand). Cytogenetic location: 8p11.21.
Variant type: single nucleotide variant.
Coding change: c.502A>C on transcript NM_032237.5 (MANE Select); coding-DNA position 502, A replaced by C.
Protein change: p.Lys168Gln; replaces lysine 168 with glutamine.
Molecular consequence: missense variant.
Genome position (GRCh38, 1-based): chr8:43,122,326, A>C. VCF-style: chr8-43122326-A-C. GRCh37 (hg19) VCF-style: chr8-42977469-A-C.
Other names: c.502A>C, p.Lys168Gln (NM_001277971.2); short protein forms K168Q.
Identifiers: ClinVar variation 474192 (VCV000474192.9), dbSNP rs756014333, ClinGen allele CA4736294.

ClinVar aggregate classification (germline): Uncertain significance (1 of 4 stars; one submission).

Conditions:
Limb-girdle muscular dystrophy due to POMK deficiency. Also called: Muscular dystrophy-dystroglycanopathy (limb-girdle), type c, 12; MUSCULAR DYSTROPHY-DYSTROGLYCANOPATHY, LIMB-GIRDLE, POMK-RELATED. Identifiers: Orphanet 445110, MedGen C4015184, MONDO:0014489, OMIM 616094.
Muscular dystrophy-dystroglycanopathy (congenital with brain and eye anomalies), type a, 12 (MDDGA12). Also called: WALKER-WARBURG SYNDROME OR MUSCLE-EYE-BRAIN DISEASE, POMK-RELATED. Identifiers: Orphanet 899, MedGen C3808964, MONDO:0014101, OMIM 615249.

Allele frequency attached by ClinVar (database versions not stated): TOPMed below 0.00001; ExAC 0.00001; gnomAD exomes 0.00001.
gnomAD v4.1: 10 of 1,614,188 alleles (0.00062%); highest among the groups gnomAD compares: South Asian, 0.011%; no homozygotes.

Submission:

Labcorp Genetics (formerly Invitae), Labcorp
Classification: Uncertain significance for Muscular dystrophy-dystroglycanopathy (congenital with brain and eye anomalies), type a, 12; Limb-girdle muscular dystrophy due to POMK deficiency. Last evaluated: 2022-01-14. Review status: criteria provided, single submitter. Criteria: Invitae Variant Classification Sherloc (09022015). Collection method: clinical testing. Allele origin: germline.
Comment: Algorithms developed to predict the effect of sequence changes on RNA splicing suggest that this variant is not likely to affect RNA splicing. This sequence change replaces lysine, which is basic and polar, with glutamine, which is neutral and polar, at codon 168 of the POMK protein (p.Lys168Gln). This variant is present in population databases (rs756014333, gnomAD 0.01%). This variant has not been reported in the literature in individuals affected with POMK-related conditions. ClinVar contains an entry for this variant (Variation ID: 474192). Algorithms developed to predict the effect of missense changes on protein structure and function are either unavailable or do not agree on the potential impact of this missense change (SIFT: "Deleterious"; PolyPhen-2: "Benign"; Align-GVGD: "Class C0"). In summary, the available evidence is currently insufficient to determine the role of this variant in disease. Therefore, it has been classified as a Variant of Uncertain Significance.